The following is an entry in ClinVar:

ClinVar aggregate classification (germline): Uncertain significance (1 of 4 stars; one submission).

Conditions:
Familial sleep-related hypermotor epilepsy. Also called: Autosomal Dominant Sleep-Related Hypermotor (Hyperkinetic) Epilepsy. Identifiers: Orphanet 98784, MedGen C3696898, MONDO:0000030.

Allele frequency attached by ClinVar (database versions not stated): gnomAD exomes below 0.00001.
gnomAD v4.1: 1 of 1,613,936 alleles (0.000062%); highest among the groups gnomAD compares: Non-Finnish European, 0.000085%; no homozygotes.

Submission:

Labcorp Genetics (formerly Invitae), Labcorp
Classification: Uncertain significance. Last evaluated: 2024-09-05. Review status: criteria provided, single submitter. Criteria: Invitae Variant Classification Sherloc (09022015). Collection method: clinical testing. Allele origin: germline.
Comment: This sequence change replaces proline, which is neutral and non-polar, with serine, which is neutral and polar, at codon 335 of the CHRNA4 protein (p.Pro335Ser). This variant is not present in population databases (gnomAD no frequency). This variant has not been reported in the literature in individuals affected with CHRNA4-related conditions. ClinVar contains an entry for this variant (Variation ID: 1969389). Invitae Evidence Modeling of protein sequence and biophysical properties (such as structural, functional, and spatial information, amino acid conservation, physicochemical variation, residue mobility, and thermodynamic stability) indicates that this missense variant is not expected to disrupt CHRNA4 protein function with a negative predictive value of 80%. In summary, the available evidence is currently insufficient to determine the role of this variant in disease. Therefore, it has been classified as a Variant of Uncertain Significance.

NM_000744.7(CHRNA4):c.1003C>T (p.Pro335Ser)

Gene: CHRNA4 (cholinergic receptor nicotinic alpha 4 subunit; minus strand). Cytogenetic location: 20q13.33.
Variant type: single nucleotide variant.
Coding change: c.1003C>T on transcript NM_000744.7 (MANE Select); coding-DNA position 1003, C replaced by T.
Protein change: p.Pro335Ser; replaces proline 335 with serine.
Molecular consequence: missense variant. On other transcripts: non-coding transcript variant (1).
Genome position (GRCh38, 1-based): chr20:63,350,408, G>A on the plus strand (C>T on the coding strand, the complement: CHRNA4 is on the minus strand). VCF-style: chr20-63350408-G-A. GRCh37 (hg19) VCF-style: chr20-61981760-G-A.
Other names: c.475C>T, p.Pro159Ser (NM_001256573.2); short protein forms P335S, P159S.
Identifiers: ClinVar variation 1969389 (VCV001969389.5), dbSNP rs2123471818, ClinGen allele CA409635659.
Genomic context (GRCh38, chr20:63,350,408, plus strand): 5'-GGCGTGGCACGATGTCCAGGAAGACCCTGCGTACCCAGGTGGGCATGGTGTGCGTGCGTG[G>A]CGAGCGGTGGTGCACGTTGAGCACGAAGACCGTGATGACGATGGACAGGGTGACGAAGAT-3'
Protein context (NP_000735.1, residues 325-345): VFVLNVHHRS[Pro335Ser]RTHTMPTWVR